The following is an entry in ClinVar:

ClinVar aggregate classification (germline): Uncertain significance (1 of 4 stars; one submission).

Submission:

Labcorp Genetics (formerly Invitae), Labcorp
Classification: Uncertain significance. Last evaluated: 2024-04-03. Review status: criteria provided, single submitter. Criteria: Invitae Variant Classification Sherloc (09022015). Collection method: clinical testing. Allele origin: germline.
Comment: This sequence change replaces proline, which is neutral and non-polar, with arginine, which is basic and polar, at codon 125 of the NEDD4L protein (p.Pro125Arg). This variant is not present in population databases (gnomAD no frequency). This variant has not been reported in the literature in individuals affected with NEDD4L-related conditions. Advanced modeling of protein sequence and biophysical properties (such as structural, functional, and spatial information, amino acid conservation, physicochemical variation, residue mobility, and thermodynamic stability) performed at Invitae indicates that this missense variant is not expected to disrupt NEDD4L protein function with a negative predictive value of 80%. In summary, the available evidence is currently insufficient to determine the role of this variant in disease. Therefore, it has been classified as a Variant of Uncertain Significance.

NM_001144967.3(NEDD4L):c.374C>G (p.Pro125Arg)

Gene: NEDD4L (NEDD4 like E3 ubiquitin protein ligase; plus strand). Cytogenetic location: 18q21.31.
Variant type: single nucleotide variant.
Coding change: c.374C>G on transcript NM_001144967.3 (MANE Select); coding-DNA position 374, C replaced by G.
Protein change: p.Pro125Arg; replaces proline 125 with arginine.
Molecular consequence: missense variant.
Genome position (GRCh38, 1-based): chr18:58,322,450, C>G. VCF-style: chr18-58322450-C-G. GRCh37 (hg19) VCF-style: chr18-55989682-C-G.
Other names: c.11C>G, p.Pro4Arg (NM_001144964.1, NM_001144965.2, NM_001144966.3 and 2 more transcripts); c.350C>G, p.Pro117Arg (NM_001144968.2, NM_001144969.2); c.374C>G, p.Pro125Arg (NM_001243960.2, NM_015277.6); short protein forms P4R, P125R, P117R.
Identifiers: ClinVar variation 3648662 (VCV003648662.2).